The following is an entry in ClinVar:

ClinVar aggregate classification (germline): Pathogenic/Likely pathogenic. Review status: criteria provided, multiple submitters, no conflicts (2 of 4 stars). 4 submissions from 4 submitters: Pathogenic (1); Likely pathogenic (2). 1 of the submissions does not count toward it. Last evaluated 2024-09-10.

Conditions:
COL2A1-related disorder. Also called: COL2A1-related condition; COL2A1-related disorders.
Achondrogenesis type II (ACG2). Also called: ACHONDROGENESIS, LANGER-SALDINO TYPE; CHONDROGENESIS IMPERFECTA. Identifiers: Orphanet 932, Orphanet 93296, MedGen C0220685, MONDO:0008702, OMIM 200610.
Legg-Calve-Perthes disease. Also called: Avascular necrosis of the capital femoral epiphysis; PERTHES DISEASE; Osteochondritis deformans; Coxa plana. Identifiers: Orphanet 2380, MedGen C1442965, MONDO:0007885, OMIM 150600, HP:0005743.
Kniest dysplasia. Identifiers: Orphanet 485, MedGen C0265279, MONDO:0007987, OMIM 156550.
Spondyloepiphyseal dysplasia congenita (SEDC). Also called: SED CONGENITA; SPONDYLOEPIPHYSEAL DYSPLASIA, CONGENITAL TYPE. Identifiers: Orphanet 94068, MedGen C2745959, MONDO:0008471, OMIM 183900.
Spondyloperipheral dysplasia. Also called: Spondyloperipheral dysplasia-short ulna syndrome; SPONDYLOPERIPHERAL DYSPLASIA WITH SHORT ULNA. Identifiers: Orphanet 1856, MedGen C0796173, MONDO:0010078, OMIM 271700.
Platyspondylic dysplasia, Torrance type (PLSDT). Identifiers: Orphanet 85166, MedGen C1835437, MONDO:0007895, OMIM 151210.
Spondyloepimetaphyseal dysplasia, Strudwick type (SEMDSTWK). Also called: STRUDWICK SYNDROME; DAPPLED METAPHYSIS SYNDROME. Identifiers: Orphanet 93346, MedGen C0700635, MONDO:0008476, OMIM 184250.

Submissions (4):

New York Genome Center
Classification: Likely pathogenic for Achondrogenesis type II; Kniest dysplasia; Legg-Calve-Perthes disease; Platyspondylic dysplasia, Torrance type; Spondyloepiphyseal dysplasia congenita; Spondyloepimetaphyseal dysplasia, Strudwick type; Spondyloperipheral dysplasia. Last evaluated: 2024-09-10. Review status: criteria provided, single submitter. Criteria: NYGC Assertion Criteria 2020. Collection method: clinical testing. Allele origin: inherited. Affected: yes. Observed: 1 variant allele, 1 heterozygote.
Comment: The heterozygous inherited c.2887G>A variant identified in COL2A1 is deposited in ClinVar as Pathogenic/Likely Pathogenic by two submitters (Variation ID: 1212764) including at least one case of de novo occurence, and has not previously been reported in the literature. 49 reads carry the reference C allele and 25 reads carry the variant T allele. The c.2887G>A is absent from the gnomAD v4.1.0 database, suggesting it is not a common benign variant in the populations represented in that database. The c.2887G>A variant in COL2A1 is located in exon 42 of this 54-exon gene, is predicted to replace a highly conserved glycine amino acid with serine at position 963 and disrupts a Gly-X-Y repeat within the triple helical domain of the encoded protein. In silico predictions are in favor of damaging effect for the p.(Gly963Ser) variant [REVEL=0.982]; however, there are no functional studies to support or refute these predictions. Based on available evidence the c.2887G>A, p.(Gly963Ser) variant identified in COL2A1 is classified here as Likely Pathogenic.

Blueprint Genetics
Classification: Likely pathogenic for COL2A1-related disorders. Last evaluated: 2023-12-12. Review status: criteria provided, single submitter. Criteria: ACMG Guidelines, 2015. Collection method: clinical testing. Allele origin: germline. Affected: yes. Observed: 1 variant allele.

GeneDx
Classification: Pathogenic. Last evaluated: 2020-12-17. Review status: criteria provided, single submitter. Criteria: GeneDx Variant Classification Process June 2021. Collection method: clinical testing. Allele origin: germline. Affected: yes.
Comment: Occurs in the triple helical domain and replaces the glycine in the canonical GlyX-Y repeat; missense substitution of a canonical glycine residue is expected to disrupt normal protein folding and function, and this is an established mechanism of disease (Stenson et al., 2014); In silico analysis supports that this missense variant has a deleterious effect on protein structure/function; Has not been previously published as pathogenic or benign to our knowledge

Institute Of Reproduction And Development, Obstetrics and Gynecology Hospital, Fudan University
Classification: Likely pathogenic. Last evaluated: 2021-01-18. Review status: no assertion criteria provided. Collection method: research. Allele origin: germline. Affected: yes. Not counted in ClinVar's aggregate classification.

NM_001844.5(COL2A1):c.2887G>A (p.Gly963Ser)

Gene: COL2A1 (collagen type II alpha 1 chain; minus strand). Cytogenetic location: 12q13.11.
Variant type: single nucleotide variant.
Coding change: c.2887G>A on transcript NM_001844.5 (MANE Select); coding-DNA position 2887, G replaced by A.
Protein change: p.Gly963Ser; replaces glycine 963 with serine.
Molecular consequence: missense variant.
Genome position (GRCh38, 1-based): chr12:47,978,605, C>T on the plus strand (G>A on the coding strand, the complement: COL2A1 is on the minus strand). VCF-style: chr12-47978605-C-T. GRCh37 (hg19) VCF-style: chr12-48372388-C-T.
Other names: c.2680G>A, p.Gly894Ser (NM_033150.3); short protein forms G894S, G963S.
Identifiers: ClinVar variation 1212764 (VCV001212764.6), dbSNP rs1215825701, ClinGen allele CA384541761.